The following is an entry in ClinVar:

ClinVar aggregate classification (germline): Uncertain significance. Review status: criteria provided, multiple submitters, no conflicts (2 of 4 stars). 3 submissions from 3 submitters: Uncertain significance (3). Last evaluated 2025-12-08.

Conditions:
Inborn genetic diseases. Identifiers: MedGen C0950123, MeSH D030342.

Allele frequency attached by ClinVar (database versions not stated): gnomAD 0.00001; TOPMed 0.00002; ExAC 0.00005.
gnomAD v4.1: 24 of 1,614,098 alleles (0.0015%); highest among the groups gnomAD compares: Middle Eastern, 0.016%; no homozygotes.

Submissions (3):

Ambry Genetics
Classification: Uncertain significance for Inborn genetic diseases. Last evaluated: 2025-12-08. Review status: criteria provided, single submitter. Criteria: Ambry Variant Classification Scheme 2023. Collection method: clinical testing. Allele origin: germline.

Mayo Clinic Laboratories, Mayo Clinic
Classification: Uncertain significance. Last evaluated: 2025-09-12. Review status: criteria provided, single submitter. Criteria: ACMG Guidelines, 2015. Collection method: clinical testing. Allele origin: germline. Observed: 1 variant allele.
Comment: BP4_moderate

Labcorp Genetics (formerly Invitae), Labcorp
Classification: Uncertain significance. Last evaluated: 2023-04-15. Review status: criteria provided, single submitter. Criteria: Invitae Variant Classification Sherloc (09022015). Collection method: clinical testing. Allele origin: germline.
Comment: In summary, the available evidence is currently insufficient to determine the role of this variant in disease. Therefore, it has been classified as a Variant of Uncertain Significance. Advanced modeling of protein sequence and biophysical properties (such as structural, functional, and spatial information, amino acid conservation, physicochemical variation, residue mobility, and thermodynamic stability) performed at Invitae indicates that this missense variant is not expected to disrupt TGM6 protein function. This variant has not been reported in the literature in individuals affected with TGM6-related conditions. This variant is present in population databases (rs774605988, gnomAD 0.008%). This sequence change replaces arginine, which is basic and polar, with glutamine, which is neutral and polar, at codon 410 of the TGM6 protein (p.Arg410Gln).

NM_198994.3(TGM6):c.1229G>A (p.Arg410Gln)

Gene: TGM6 (transglutaminase 6; plus strand). Cytogenetic location: 20p13.
Variant type: single nucleotide variant.
Coding change: c.1229G>A on transcript NM_198994.3 (MANE Select); coding-DNA position 1229, G replaced by A.
Protein change: p.Arg410Gln; replaces arginine 410 with glutamine.
Molecular consequence: missense variant.
Genome position (GRCh38, 1-based): chr20:2,403,716, G>A. VCF-style: chr20-2403716-G-A. GRCh37 (hg19) VCF-style: chr20-2384362-G-A.
Other names: p.Arg410Gln; c.1229G>A (NM_198994.2); c.1229G>A, p.Arg410Gln (NM_001254734.2); short protein forms R410Q.
Identifiers: ClinVar variation 2969970 (VCV002969970.4), dbSNP rs774605988, ClinGen allele CA9732020.